The following is an entry in ClinVar:

NM_016032.4(ZDHHC9):c.674+7T>C

Gene: ZDHHC9 (zDHHC palmitoyltransferase 9; minus strand). Cytogenetic location: Xq26.1.
Variant type: single nucleotide variant.
Coding change: c.674+7T>C on transcript NM_016032.4 (MANE Select); 7 bases into the intron after coding-DNA position 674, T replaced by C.
Molecular consequence: intron variant.
Genome position (GRCh38, 1-based): chrX:129,813,670, A>G on the plus strand (T>C on the coding strand, the complement: ZDHHC9 is on the minus strand). VCF-style: chrX-129813670-A-G. GRCh37 (hg19) VCF-style: chrX-128947646-A-G.
Other names: c.674+7T>C (NM_016032.3, NM_001008222.3).
Identifiers: ClinVar variation 1560040 (VCV001560040.9), dbSNP rs1927697269, ClinGen allele CA2458185161.

ClinVar aggregate classification (germline): Conflicting classifications of pathogenicity. Review status: criteria provided, conflicting classifications (1 of 4 stars). 2 submissions from 2 submitters: Uncertain significance (1); Likely benign (1). Last evaluated 2025-10-16.

Conditions:
Intellectual developmental disorder, X-linked, syndromic, Raymond type. Also called: Syndromic X-linked intellectual disability Raymond type. Identifiers: MedGen C3275406, MONDO:0010427, OMIM 300799.
ZDHHC9-related disorder. Also called: ZDHHC9-related condition.

Submissions (2):

PreventionGenetics, part of Exact Sciences
Classification: Uncertain significance for ZDHHC9-related condition. Last evaluated: 2025-10-16. Review status: criteria provided, single submitter. Criteria: ACMG Guidelines, 2015. Collection method: clinical testing. Allele origin: germline.
Comment: The ZDHHC9 c.674+7T>C variant is predicted to interfere with splicing. This variant is predicted to impact splicing based on a splicing prediction program (SpliceAI, Jaganathan K, et al. 2019. PubMed ID: 30661751). To our knowledge, this variant has not been reported in the literature or in a large population database (gnomAD), indicating this variant is rare. At this time, the clinical significance of this variant is uncertain due to the absence of conclusive functional and genetic evidence.

Labcorp Genetics (formerly Invitae), Labcorp
Classification: Likely benign for Intellectual developmental disorder, X-linked, syndromic, Raymond type. Last evaluated: 2025-07-15. Review status: criteria provided, single submitter. Criteria: Invitae Variant Classification Sherloc (09022015). Collection method: clinical testing. Allele origin: germline.